The following is an entry in ClinVar:

NM_020822.3(KCNT1):c.862G>T (p.Gly288Cys)

Gene: KCNT1 (potassium sodium-activated channel subfamily T member 1; plus strand). Cytogenetic location: 9q34.3.
Variant type: single nucleotide variant.
Coding change: c.862G>T on transcript NM_020822.3 (MANE Select); coding-DNA position 862, G replaced by T.
Protein change: p.Gly288Cys; replaces glycine 288 with cysteine.
Molecular consequence: missense variant.
Genome position (GRCh38, 1-based): chr9:135,759,686, G>T. VCF-style: chr9-135759686-G-T. GRCh37 (hg19) VCF-style: chr9-138651532-G-T.
Other names: c.727G>T, p.Gly243Cys (NM_001272003.2); short protein forms G243C, G288C.
Identifiers: ClinVar variation 1486353 (VCV001486353.7), dbSNP rs587777264, ClinGen allele CA375498367.

ClinVar aggregate classification (germline): Likely pathogenic. Review status: criteria provided, multiple submitters, no conflicts (2 of 4 stars). 2 submissions from 2 submitters: Likely pathogenic (2). Last evaluated 2021-12-08.

Conditions:
KCNT1-related disorder. Also called: KCNT1-related condition.
Developmental and epileptic encephalopathy, 14 (DEE14). Also called: Early infantile epileptic encephalopathy 14. Identifiers: Orphanet 293181, MedGen C3554195, MONDO:0013989, OMIM 614959.
Autosomal dominant nocturnal frontal lobe epilepsy 5. Also called: CILIARY DYSKINESIA, PRIMARY, 28, WITH SITUS INVERSUS; KCNT1-Related Epilepsy; Epilepsy, nocturnal frontal lobe, 5; CILIARY DYSKINESIA, PRIMARY, 28, WITHOUT SITUS INVERSUS. Identifiers: Orphanet 98784, MedGen C3554306, MONDO:0014002, OMIM 615005.

Submissions (2):

Labcorp Genetics (formerly Invitae), Labcorp
Classification: Likely pathogenic for Autosomal dominant nocturnal frontal lobe epilepsy 5; Developmental and epileptic encephalopathy, 14. Last evaluated: 2021-12-08. Review status: criteria provided, single submitter. Criteria: Invitae Variant Classification Sherloc (09022015). Collection method: clinical testing. Allele origin: germline.
Comment: This sequence change replaces glycine, which is neutral and non-polar, with cysteine, which is neutral and slightly polar, at codon 288 of the KCNT1 protein (p.Gly288Cys). This variant is not present in population databases (gnomAD no frequency). This variant has not been reported in the literature in individuals affected with KCNT1-related conditions. Advanced modeling of protein sequence and biophysical properties (such as structural, functional, and spatial information, amino acid conservation, physicochemical variation, residue mobility, and thermodynamic stability) performed at Invitae indicates that this missense variant is expected to disrupt KCNT1 protein function. This variant disrupts the p.Gly288 amino acid residue in KCNT1. Other variant(s) that disrupt this residue have been determined to be pathogenic (PMID: 24029078, 26122718, 26140313, 26597493). This suggests that this residue is clinically significant, and that variants that disrupt this residue are likely to be disease-causing. In summary, the currently available evidence indicates that the variant is pathogenic, but additional data are needed to prove that conclusively. Therefore, this variant has been classified as Likely Pathogenic.

Blueprint Genetics
Classification: Likely pathogenic for KCNT1-related disorders. Last evaluated: 2021-11-29. Review status: criteria provided, single submitter. Criteria: ACMG Guidelines, 2015. Collection method: clinical testing. Allele origin: germline. Affected: yes. Observed: 1 variant allele.

Literature cited by the submitters: PubMed 24029078 (cited by Labcorp Genetics (formerly Invitae), Labcorp); PubMed 26122718 (cited by Labcorp Genetics (formerly Invitae), Labcorp); PubMed 26140313 (cited by Labcorp Genetics (formerly Invitae), Labcorp); PubMed 26597493 (cited by Labcorp Genetics (formerly Invitae), Labcorp).